The following is an entry in ClinVar:

NM_017934.7(PHIP):c.3379+9G>A

Genes: IRAK1BP1 (interleukin 1 receptor associated kinase 1 binding protein 1; plus strand), PHIP (PHIP subunit of CUL4-Ring ligase complex; minus strand). Cytogenetic location: 6q14.1.
Variant type: single nucleotide variant.
Coding change: c.3379+9G>A on transcript NM_017934.7 (MANE Select); 9 bases into the intron after coding-DNA position 3379, G replaced by A.
Molecular consequence: intron variant.
Genome position (GRCh38, 1-based): chr6:78,965,694, C>T on the plus strand (G>A on the coding strand, the complement: PHIP is on the minus strand). VCF-style: chr6-78965694-C-T. GRCh37 (hg19) VCF-style: chr6-79675411-C-T.
Identifiers: ClinVar variation 3357204 (VCV003357204.1).
Genomic context (GRCh38, chr6:78,965,694, plus strand): 5'-CAAATCTTAAATAATTTCTTAAGAAATTAACTCCATAATGGAGAAACAAAAAGCCTAACA[C>T]ACACTTACCATTATTAGGTATAAGCTCCATATCCCAAGGACTCATCTTTTCTGTATCTCC-3'

ClinVar aggregate classification (germline): Likely benign (0 of 4 stars; one submission).

Conditions:
PHIP-related disorder. Also called: PHIP-related condition; PHIP-related disorders.

Submission:

PreventionGenetics, part of Exact Sciences
Classification: Likely benign for PHIP-related condition. Last evaluated: 2022-11-03. Review status: no assertion criteria provided. Collection method: clinical testing. Allele origin: germline.
Comment: This variant is classified as likely benign based on ACMG/AMP sequence variant interpretation guidelines (Richards et al. 2015 PMID: 25741868, with internal and published modifications).